The following is an entry in ClinVar:

ClinVar aggregate classification (germline): Uncertain significance (1 of 4 stars; one submission).

Conditions:
Arrhythmogenic cardiomyopathy with wooly hair and keratoderma. Also called: Carvajal syndrome; PALMOPLANTAR KERATODERMA WITH LEFT VENTRICULAR CARDIOMYOPATHY AND WOOLLY HAIR; Dilated cardiomyopathy with woolly hair and keratoderma; Arrhythmogenic cardiomyopathy with woolly hair and keratoderma. Identifiers: Orphanet 65282, MedGen C1854063, MONDO:0011581, OMIM 605676.
Arrhythmogenic right ventricular dysplasia 8 (ARVD8). Also called: Arrhythmogenic Right Ventricular Dysplasia/Cardiomyopathy 8; ARRHYTHMOGENIC RIGHT VENTRICULAR DYSPLASIA, FAMILIAL, 8; ARRHYTHMOGENIC RIGHT VENTRICULAR CARDIOMYOPATHY 8. Identifiers: MedGen C1843896, MONDO:0011831, OMIM 607450.

gnomAD v4.1: 1 of 1,614,218 alleles (0.000062%); highest among the groups gnomAD compares: Non-Finnish European, 0.000085%; no homozygotes.

Submission:

Labcorp Genetics (formerly Invitae), Labcorp
Classification: Uncertain significance for Arrhythmogenic cardiomyopathy with wooly hair and keratoderma; Arrhythmogenic right ventricular dysplasia 8. Last evaluated: 2025-04-29. Review status: criteria provided, single submitter. Criteria: Invitae Variant Classification Sherloc (09022015). Collection method: clinical testing. Allele origin: germline.
Comment: This sequence change replaces arginine, which is basic and polar, with glycine, which is neutral and non-polar, at codon 677 of the DSP protein (p.Arg677Gly). This variant is not present in population databases (gnomAD no frequency). This variant has not been reported in the literature in individuals affected with DSP-related conditions. An algorithm developed to predict the effect of missense changes on protein structure and function (PolyPhen-2) suggests that this variant is likely to be tolerated. In summary, the available evidence is currently insufficient to determine the role of this variant in disease. Therefore, it has been classified as a Variant of Uncertain Significance.

NM_004415.4(DSP):c.2029A>G (p.Arg677Gly)

Gene: DSP (desmoplakin; plus strand). Cytogenetic location: 6p24.3.
Variant type: single nucleotide variant.
Coding change: c.2029A>G on transcript NM_004415.4 (MANE Select); coding-DNA position 2029, A replaced by G.
Protein change: p.Arg677Gly; replaces arginine 677 with glycine.
Molecular consequence: missense variant.
Genome position (GRCh38, 1-based): chr6:7,571,967, A>G. VCF-style: chr6-7571967-A-G. GRCh37 (hg19) VCF-style: chr6-7572200-A-G.
Other names: c.2029A>G, p.Arg677Gly (NM_001008844.3, NM_001319034.2); short protein forms R677G.
Identifiers: ClinVar variation 4784831 (VCV004784831.1).